The following is an entry in ClinVar:

NM_004519.4(KCNQ3):c.2104G>A (p.Val702Met)

Gene: KCNQ3 (potassium voltage-gated channel subfamily Q member 3; minus strand). Cytogenetic location: 8q24.22.
Variant type: single nucleotide variant.
Coding change: c.2104G>A on transcript NM_004519.4 (MANE Select); coding-DNA position 2104, G replaced by A.
Protein change: p.Val702Met; replaces valine 702 with methionine.
Molecular consequence: missense variant.
Genome position (GRCh38, 1-based): chr8:132,129,777, C>T on the plus strand (G>A on the coding strand, the complement: KCNQ3 is on the minus strand). VCF-style: chr8-132129777-C-T. GRCh37 (hg19) VCF-style: chr8-133142024-C-T.
Other names: c.1744G>A, p.Val582Met (NM_001204824.2); short protein forms V702M, V582M.
Identifiers: ClinVar variation 4740206 (VCV004740206.1).

ClinVar aggregate classification (germline): Uncertain significance (1 of 4 stars; one submission).

Conditions:
Benign neonatal seizures. Also called: Benign familial neonatal seizures; Benign familial neonatal epilepsy; Convulsions benign familial neonatal dominant form; Benign neonatal familial convulsions; Autosomal dominant form of benign neonatal seizures. Identifiers: Orphanet 1949, MedGen C0220669, MONDO:0016027.

Submission:

Labcorp Genetics (formerly Invitae), Labcorp
Classification: Uncertain significance for Benign neonatal seizures. Last evaluated: 2025-08-20. Review status: criteria provided, single submitter. Criteria: Invitae Variant Classification Sherloc (09022015). Collection method: clinical testing. Allele origin: germline.
Comment: This sequence change replaces valine, which is neutral and non-polar, with methionine, which is neutral and non-polar, at codon 702 of the KCNQ3 protein (p.Val702Met). This variant is not present in population databases (gnomAD no frequency). This variant has not been reported in the literature in individuals affected with KCNQ3-related conditions. Invitae Evidence Modeling of protein sequence and biophysical properties (such as structural, functional, and spatial information, amino acid conservation, physicochemical variation, residue mobility, and thermodynamic stability) indicates that this missense variant is not expected to disrupt KCNQ3 protein function with a negative predictive value of 95%. In summary, the available evidence is currently insufficient to determine the role of this variant in disease. Therefore, it has been classified as a Variant of Uncertain Significance.